The following is an entry in ClinVar:

NM_018965.4(TREM2):c.368del (p.Lys123fs)

Gene: TREM2 (triggering receptor expressed on myeloid cells 2; minus strand). Cytogenetic location: 6p21.1.
Variant type: Deletion.
Coding change: c.368del on transcript NM_018965.4 (MANE Select); coding-DNA position 368, one base deleted (A; older notation c.368delA).
Protein change: p.Lys123fs; shifts the reading frame from lysine 123.
Molecular consequence: frameshift variant.
Genome position (GRCh38, 1-based): chr6:41,161,286, T deleted on the plus strand (A on the coding strand, the reverse complement: TREM2 is on the minus strand); the first of 2 consecutive T bases (chr6:41,161,286-41,161,287); deleting either gives the same sequence. VCF-style (leftmost placement, unchanged base first): chr6-41161285-CT-C. GRCh37 (hg19) VCF-style: chr6-41129023-CT-C.
Other names: c.368del, p.Lys123fs (NM_001271821.2); short protein forms K123fs.
Identifiers: ClinVar variation 3012919 (VCV003012919.3), dbSNP rs1299091971, ClinGen allele CA824715493.

ClinVar aggregate classification (germline): Pathogenic (1 of 4 stars; one submission).

Submission:

Labcorp Genetics (formerly Invitae), Labcorp
Classification: Pathogenic. Last evaluated: 2022-11-10. Review status: criteria provided, single submitter. Criteria: Invitae Variant Classification Sherloc (09022015). Collection method: clinical testing. Allele origin: germline.
Comment: This sequence change creates a premature translational stop signal (p.Lys123Argfs*66) in the TREM2 gene. It is expected to result in an absent or disrupted protein product. Loss-of-function variants in TREM2 are known to be pathogenic (PMID: 12080485, 12754369, 12883936, 12925681, 23318515, 23582655). This variant is not present in population databases (gnomAD no frequency). This variant has not been reported in the literature in individuals affected with TREM2-related conditions. For these reasons, this variant has been classified as Pathogenic.

Literature cited by the submitters: PubMed 12080485; PubMed 12754369; PubMed 12883936; PubMed 12925681; PubMed 23318515; PubMed 23582655.